The following is an entry in ClinVar:

NM_138295.5(PKD1L1):c.1932-7G>A

Gene: PKD1L1 (polycystin 1 like 1, transient receptor potential channel interacting; minus strand). Cytogenetic location: 7p12.3.
Variant type: single nucleotide variant.
Coding change: c.1932-7G>A on transcript NM_138295.5 (MANE Select); 7 bases into the intron before coding-DNA position 1932, G replaced by A.
Molecular consequence: intron variant.
Genome position (GRCh38, 1-based): chr7:47,902,518, C>T on the plus strand (G>A on the coding strand, the complement: PKD1L1 is on the minus strand). VCF-style: chr7-47902518-C-T. GRCh37 (hg19) VCF-style: chr7-47942115-C-T.
Other names: c.1932-7G>A (NM_138295.3).
Identifiers: ClinVar variation 4811670 (VCV004811670.2).

ClinVar aggregate classification (germline): Likely benign. Review status: criteria provided, multiple submitters, no conflicts (2 of 4 stars). 2 submissions from 2 submitters: Likely benign (2). Last evaluated 2026-01-04.

Conditions:
PKD1L1-related disorder. Also called: PKD1L1-related condition.

gnomAD v4.1: 63 of 1,613,042 alleles (0.0039%); highest among the groups gnomAD compares: African/African-American, 0.016%; no homozygotes.

Submissions (2):

Labcorp Genetics (formerly Invitae), Labcorp
Classification: Likely benign. Last evaluated: 2026-01-04. Review status: criteria provided, single submitter. Criteria: Invitae Variant Classification Sherloc (09022015). Collection method: clinical testing. Allele origin: germline.

PreventionGenetics, part of Exact Sciences
Classification: Likely benign for PKD1L1-related condition. Last evaluated: 2025-10-04. Review status: criteria provided, single submitter. Criteria: ACMG Guidelines, 2015. Collection method: clinical testing. Allele origin: germline.
Comment: This variant is classified as likely benign based on ACMG/AMP sequence variant interpretation guidelines (Richards et al. 2015 PMID: 25741868, with internal and published modifications).